The following is an entry in ClinVar:

ClinVar aggregate classification (germline): Conflicting classifications of pathogenicity. Review status: criteria provided, conflicting classifications (1 of 4 stars). 10 submissions from 9 submitters: Likely pathogenic (2); Uncertain significance (7). 1 of the submissions does not count toward it. Last evaluated 2025-11-06.

Conditions:
DSP-related disorder. Also called: DSP-related disorders; DSP-related condition.
Cardiovascular phenotype. Identifiers: MedGen CN230736.
Keratosis palmoplantaris striata 2. Also called: Keratosis palmoplantaris striata II; KERATODERMA, PALMOPLANTAR, STRIATE FORM II; STRIATE PALMOPLANTAR KERATODERMA II. Identifiers: MedGen C1852127, MONDO:0013034, OMIM 612908.
Arrhythmogenic right ventricular dysplasia 8 (ARVD8). Also called: ARRHYTHMOGENIC RIGHT VENTRICULAR DYSPLASIA, FAMILIAL, 8; ARRHYTHMOGENIC RIGHT VENTRICULAR CARDIOMYOPATHY 8; Arrhythmogenic Right Ventricular Dysplasia/Cardiomyopathy 8. Identifiers: MedGen C1843896, MONDO:0011831, OMIM 607450.
Cardiomyopathy, dilated, with wooly hair, keratoderma, and tooth agenesis. Also called: Cardiomyopathy, dilated, with woolly hair, keratoderma, and tooth agenesis; Erythrokeratodermia-cardiomyopathy syndrome. Identifiers: Orphanet 476096, Orphanet 65282, MedGen C4014393, MONDO:0014355, OMIM 615821.
Woolly hair-skin fragility syndrome (WHSF). Identifiers: Orphanet 293165, MedGen C1843292, MONDO:0957307, OMIM 620415.
Lethal acantholytic epidermolysis bullosa (EBLA). Identifiers: Orphanet 158687, MedGen C1864826, MONDO:0012323, OMIM 609638.
Arrhythmogenic cardiomyopathy with wooly hair and keratoderma. Also called: Arrhythmogenic cardiomyopathy with woolly hair and keratoderma; Carvajal syndrome; Dilated cardiomyopathy with woolly hair and keratoderma; PALMOPLANTAR KERATODERMA WITH LEFT VENTRICULAR CARDIOMYOPATHY AND WOOLLY HAIR. Identifiers: Orphanet 65282, MedGen C1854063, MONDO:0011581, OMIM 605676.
Cardiomyopathy (CMYO). Also called: Cardiomyopathies. Identifiers: Orphanet 167848, MedGen C0878544, MONDO:0004994, HP:0001638. Inheritance: Various modes of inheritance.
Primary dilated cardiomyopathy (DCM). Also called: Dilated Cardiomyopathy. Identifiers: Orphanet 217604, MedGen C0007193, MeSH D002311, MONDO:0005021, HP:0001644. Inheritance: Various modes of inheritance.

Allele frequency attached by ClinVar (database versions not stated): TOPMed 0.00001.
gnomAD v4.1: 5 of 1,613,860 alleles (0.00031%); highest among the groups gnomAD compares: Non-Finnish European, 0.00042%; no homozygotes.

Submissions (10):

GeneDx
Classification: Likely pathogenic. Last evaluated: 2025-11-06. Review status: criteria provided, single submitter. Criteria: GeneDx Variant Classification Process June 2021. Collection method: clinical testing. Allele origin: germline. Affected: yes.
Comment: Identified in association with DCM and peripartum cardiomyopathy in published literature (PMID: 36768812, 33874732); Identified in a family with arrhythmogenic cardiomyopathy and family history of sudden cardiac death (PMID: 34317553); Not observed at significant frequency in large population cohorts (gnomAD); In silico analysis supports that this missense variant has a deleterious effect on protein structure/function; This variant is associated with the following publications: (PMID: 26399581, 34352074, Rawal2021[CaseReport], 25227139, 36768812, 33874732, 34317553)

Labcorp Genetics (formerly Invitae), Labcorp
Classification: Uncertain significance for Arrhythmogenic cardiomyopathy with wooly hair and keratoderma; Arrhythmogenic right ventricular dysplasia 8. Last evaluated: 2025-09-20. Review status: criteria provided, single submitter. Criteria: Invitae Variant Classification Sherloc (09022015). Collection method: clinical testing. Allele origin: germline.
Comment: This sequence change replaces threonine, which is neutral and polar, with lysine, which is basic and polar, at codon 356 of the DSP protein (p.Thr356Lys). The frequency data for this variant in the population databases is considered unreliable, as metrics indicate poor data quality at this position in the gnomAD database. This missense change has been observed in individual(s) with Carvajal syndrome and/or clinical features of arrhythmogenic cardiomyopathy (PMID: 25227139, 34317553, 34352074, 36768812). In at least one individual the data is consistent with being in trans (on the opposite chromosome) from a pathogenic variant. ClinVar contains an entry for this variant (Variation ID: 199858). An algorithm developed to predict the effect of missense changes on protein structure and function (PolyPhen-2) suggests that this variant is likely to be disruptive. In summary, the available evidence is currently insufficient to determine the role of this variant in disease. Therefore, it has been classified as a Variant of Uncertain Significance.

Color Diagnostics, LLC DBA Color Health
Classification: Uncertain significance for Cardiomyopathy. Last evaluated: 2025-05-02. Review status: criteria provided, single submitter. Criteria: ACMG Guidelines, 2015. Collection method: clinical testing. Allele origin: germline.
Comment: This missense variant replaces threonine with lysine at codon 356 of the DSP protein. Computational prediction suggests that this variant may have deleterious impact on protein structure and function. To our knowledge, functional studies have not been reported for this variant. This variant has been reported in compound heterozygosity with c.2131_2132delAG in two siblings affected with palmoplantar keratoderma, woolly hair and dilated cardiomyopathy (Carvajal syndrome), and the variant in question was inherited from the father who had myocardial infarction at a young age (PMID 25227139). This variant has been reported in another three individuals affected with DSP-related cardiomyopathy from two different families (PMID: 34352074, 36768812). This variant has also been observed in three asymptomatic individuals with imaging abnormalities involving left ventricle when screened with cardiac magnetic resonance, who were from a family with a history of arrhythmogenic ventricular cardiomyopathy and sudden cardiac death (PMID: 34317553). This variant has been identified in 1/251198 chromosomes in the general population by the Genome Aggregation Database (gnomAD). The available evidence is insufficient to determine the role of this variant in disease conclusively. Therefore, this variant is classified as a Variant of Uncertain Significance.

Ambry Genetics
Classification: Uncertain significance for Cardiovascular phenotype. Last evaluated: 2024-12-20. Review status: criteria provided, single submitter. Criteria: Ambry Variant Classification Scheme 2023. Collection method: clinical testing. Allele origin: germline.
Comment: The p.T356K variant (also known as c.1067C>A), located in coding exon 9 of the DSP gene, results from a C to A substitution at nucleotide position 1067. The threonine at codon 356 is replaced by lysine, an amino acid with similar properties. This variant was reported in two compound heterozygous siblings with a maternally inherited DSP splicing variant, dilated cardiomyopathy, woolly or sparse hair, and mild palmoplantar keratosis (Pigors M et al. Acta Derm. Venereol., 2015 Mar;95:337-40). This alteration was also reported in family members of a proband who suffered sudden cardiac death and had features of arrhythmogenic right ventricular cardiomyopathy (ARVC) on autopsy; some of the family members who had genetic testing also carried a missense alteration in JUP (Rawal AS et al. JACC Case Rep, 2021 Mar;3:438-442). This variant was also reported in a peripartum cardiomyopathy cohort (Goli R et al. Circulation, 2021 May;143:1852-1862). This amino acid position is highly conserved in available vertebrate species. In addition, this alteration is predicted to be deleterious by in silico analysis. Since supporting evidence is limited at this time, the clinical significance of this alteration remains unclear.

Blueprint Genetics
Classification: Likely pathogenic for DSP-related disorders. Last evaluated: 2024-02-23. Review status: criteria provided, single submitter. Criteria: ACMG Guidelines, 2015. Collection method: clinical testing. Allele origin: germline. Affected: yes. Observed: 1 variant allele.

All of Us Research Program, National Institutes of Health
Classification: Uncertain significance for Arrhythmogenic cardiomyopathy with wooly hair and keratoderma. Last evaluated: 2023-12-13. Review status: criteria provided, single submitter. Criteria: ACMG Guidelines, 2015. Collection method: clinical testing. Allele origin: germline. Inheritance: Autosomal dominant inheritance. Observed: 5 variant alleles, 5 heterozygotes.
Comment: This missense variant replaces threonine with lysine at codon 356 of the DSP protein. Computational prediction suggests that this variant may have deleterious impact on protein structure and function (internally defined REVEL score threshold >= 0.7, PMID: 27666373). To our knowledge, functional studies have not been reported for this variant. This variant has been reported in compound heterozygosity with c.2131_2132delAG in two siblings affected with palmoplantar keratoderma, woolly hair and dilated cardiomyopathy (Carvajal syndrome), and the variant in question was inherited from the father who had myocardial infarction at a young age (PMID 25227139). This variant has been reported in another three individuals affected with DSP-related cardiomyopathy from two different families (PMID: 34352074, 36768812). This variant has also been observed in three asymptomatic individuals with imaging abnormalities involving left ventricle when screened with cardiac magnetic resonance, who were from a family with a history of arrhythmogenic ventricular cardiomyopathy and sudden cardiac death (PMID: 34317553). This variant has been identified in 1/251198 chromosomes in the general population by the Genome Aggregation Database (gnomAD). The available evidence is insufficient to determine the role of this variant in disease conclusively. Therefore, this variant is classified as a Variant of Uncertain Significance.

This study involves interpretation of variants in research participants for the purpose of population health screening. Participant phenotype was not available at the time of variant classification. Additional details can be found in publication PMID: 35346344, PMCID: PMC8962531

Fulgent Genetics
Classification: Uncertain significance for Arrhythmogenic cardiomyopathy with wooly hair and keratoderma; Arrhythmogenic right ventricular dysplasia 8; Lethal acantholytic epidermolysis bullosa; Keratosis palmoplantaris striata 2; Cardiomyopathy, dilated, with wooly hair, keratoderma, and tooth agenesis. Last evaluated: 2021-08-05. Review status: criteria provided, single submitter. Criteria: ACMG Guidelines, 2015. Collection method: clinical testing. Allele origin: unknown.

Women's Health and Genetics/Laboratory Corporation of America, LabCorp
Classification: Uncertain significance. Last evaluated: 2016-08-09. Review status: criteria provided, single submitter. Criteria: LabCorp Variant Classification Summary - May 2015. Collection method: clinical testing. Allele origin: germline.
Comment: Variant summary: The c.1067C>A (p.Thr356Lys) in DSP gene is a missense change that involves a conserved nucleotide and 4/4 in silico tools predict deleterious outcome. The variant of interest is located in the spectrin repeat domain that is known to be involved in cytoskeletal structure. The variant is absent from control dataset of ExAC. This variant has been observed in 1 family with 2 affected siblings presented with dilated cardiomyopathy with severe left ventricular insufficiency, woolly hair and focal palmoplantar keratosis. Both pts carried the variant of interest in compound heterozygosity with maternally inherited c.2131_2132delAG, p.S711Cfs*4. No functional studies determining the functional impact of this variant have been conducted and published at the time of evaluation. One reputable database/clinical laboratory classified this variant as VUS. Additional clinical and functional data are needed to classify this variant with confidence. Taking together, the variant was classified as VUS-Possibly Pathogenic until more information becomes available.

Centre for Mendelian Genomics, University Medical Centre Ljubljana
Classification: Uncertain significance for Keratosis palmoplantaris striata 2. Last evaluated: 2016-01-01. Review status: criteria provided, single submitter. Criteria: ACMG Guidelines, 2015. Collection method: clinical testing. Allele origin: unknown. Affected: yes.
Comment: This variant was classified as: Uncertain significance.

Centre for Mendelian Genomics, University Medical Centre Ljubljana
Classification: Uncertain significance for Dilated cardiomyopathy. Last evaluated: 2016-03-24. Review status: no assertion criteria provided. Collection method: clinical testing. Allele origin: unknown. Affected: yes. Not counted in ClinVar's aggregate classification.

Literature cited by the submitters: PubMed 25227139 (cited by 4 submitters); PubMed 34317553 (cited by 4 submitters); PubMed 34352074 (cited by 3 submitters); PubMed 36768812 (cited by 3 submitters); PubMed 33874732 (cited by Ambry Genetics); PubMed 26399581 (cited by Women's Health and Genetics/Laboratory Corporation of America, LabCorp).

NM_004415.4(DSP):c.1067C>A (p.Thr356Lys)

Gene: DSP (desmoplakin; plus strand). Cytogenetic location: 6p24.3.
Variant type: single nucleotide variant.
Coding change: c.1067C>A on transcript NM_004415.4 (MANE Select); coding-DNA position 1067, C replaced by A.
Protein change: p.Thr356Lys; replaces threonine 356 with lysine.
Molecular consequence: missense variant.
Genome position (GRCh38, 1-based): chr6:7,567,376, C>A. VCF-style: chr6-7567376-C-A. GRCh37 (hg19) VCF-style: chr6-7567609-C-A.
Other names: p.T356K:ACG>AAG; c.1067C>A, p.Thr356Lys (NM_001008844.3, NM_001319034.2); c.1067C>A (LRG_423t1); short protein forms T356K.
Identifiers: ClinVar variation 199858 (VCV000199858.29), dbSNP rs780626687, ClinGen allele CA004763.